The following is an entry in ClinVar:

ClinVar aggregate classification (germline): Uncertain significance. Review status: criteria provided, multiple submitters, no conflicts (2 of 4 stars). 2 submissions from 2 submitters: Uncertain significance (2). Last evaluated 2026-10-01.

Allele frequency attached by ClinVar (database versions not stated): 1000 Genomes Project 30x 0.00016; TOPMed 0.00026; gnomAD 0.00029; 1000 Genomes Project 0.00040; ExAC 0.00050; ESP Exome Variant Server 0.00062.
gnomAD v4.1: 630 of 1,612,946 alleles (0.039%); highest among the groups gnomAD compares: Non-Finnish European, 0.044%; no homozygotes.

Submissions (2):

CeGaT Center for Human Genetics Tuebingen
Classification: Uncertain significance. Last evaluated: 2026-10-01. Review status: criteria provided, single submitter. Criteria: CeGaT Center For Human Genetics Tuebingen Variant Classification Criteria Version 2. Collection method: clinical testing. Allele origin: germline. Affected: yes. Observed: 1 variant allele.
Comment: ATAD3A: PM2

GeneDx
Classification: Uncertain significance. Last evaluated: 2023-10-11. Review status: criteria provided, single submitter. Criteria: GeneDx Variant Classification Process June 2021. Collection method: clinical testing. Allele origin: germline. Affected: yes.
Comment: In silico analysis supports that this missense variant does not alter protein structure/function; Has not been previously published as pathogenic or benign to our knowledge

NM_001170535.3(ATAD3A):c.941C>T (p.Ala314Val)

Gene: ATAD3A (ATPase family AAA domain containing 3A; plus strand). Cytogenetic location: 1p36.33.
Variant type: single nucleotide variant.
Coding change: c.941C>T on transcript NM_001170535.3 (MANE Select); coding-DNA position 941, C replaced by T.
Protein change: p.Ala314Val; replaces alanine 314 with valine.
Molecular consequence: missense variant.
Genome position (GRCh38, 1-based): chr1:1,523,545, C>T. VCF-style: chr1-1523545-C-T. GRCh37 (hg19) VCF-style: chr1-1458925-C-T.
Other names: c.704C>T, p.Ala235Val (NM_001170536.3); c.1085C>T, p.Ala362Val (NM_018188.5); short protein forms A235V, A314V, A362V.
Identifiers: ClinVar variation 2572717 (VCV002572717.3), dbSNP rs142299242, ClinGen allele CA526086.